The following is an entry in ClinVar:

ClinVar aggregate classification (germline): Conflicting classifications of pathogenicity. Review status: criteria provided, conflicting classifications (1 of 4 stars). 2 submissions from 2 submitters: Uncertain significance (1); Likely benign (1). Last evaluated 2025-08-04.

Allele frequency attached by ClinVar (database versions not stated): gnomAD exomes below 0.00001; TOPMed 0.00001.

Submissions (2):

Ambry Genetics
Classification: Likely benign. Last evaluated: 2025-08-04. Review status: criteria provided, single submitter. Criteria: Ambry Variant Classification Scheme 2023. Collection method: clinical testing. Allele origin: germline.

Labcorp Genetics (formerly Invitae), Labcorp
Classification: Uncertain significance. Last evaluated: 2023-05-15. Review status: criteria provided, single submitter. Criteria: Invitae Variant Classification Sherloc (09022015). Collection method: clinical testing. Allele origin: germline.
Comment: This sequence change replaces alanine, which is neutral and non-polar, with serine, which is neutral and polar, at codon 245 of the MRPS2 protein (p.Ala245Ser). This variant is not present in population databases (gnomAD no frequency). This variant has not been reported in the literature in individuals affected with MRPS2-related conditions. Advanced modeling of protein sequence and biophysical properties (such as structural, functional, and spatial information, amino acid conservation, physicochemical variation, residue mobility, and thermodynamic stability) performed at Invitae indicates that this missense variant is not expected to disrupt MRPS2 protein function. In summary, the available evidence is currently insufficient to determine the role of this variant in disease. Therefore, it has been classified as a Variant of Uncertain Significance.

NM_016034.5(MRPS2):c.733G>T (p.Ala245Ser)

Genes: MRPS2 (mitochondrial ribosomal protein S2; plus strand), LOC101928525 (uncharacterized LOC101928525; minus strand). Cytogenetic location: 9q34.3.
Variant type: single nucleotide variant.
Coding change: c.733G>T on transcript NM_016034.5 (MANE Select); coding-DNA position 733, G replaced by T.
Protein change: p.Ala245Ser; replaces alanine 245 with serine.
Molecular consequence: missense variant. On other transcripts: non-coding transcript variant (4).
Genome position (GRCh38, 1-based): chr9:135,503,975, G>T. VCF-style: chr9-135503975-G-T. GRCh37 (hg19) VCF-style: chr9-138395821-G-T.
Other names: c.733G>T (NM_016034.3); c.733G>T, p.Ala245Ser (NM_001371401.1); short protein forms A245S.
Identifiers: ClinVar variation 3011297 (VCV003011297.2), dbSNP rs931429034, ClinGen allele CA201170375.